The following is an entry in ClinVar:

NM_025103.4(IFT74):c.982G>T (p.Asp328Tyr)

Gene: IFT74 (intraflagellar transport 74; plus strand). Cytogenetic location: 9p21.2.
Variant type: single nucleotide variant.
Coding change: c.982G>T on transcript NM_025103.4 (MANE Select); coding-DNA position 982, G replaced by T.
Protein change: p.Asp328Tyr; replaces aspartic acid 328 with tyrosine.
Molecular consequence: missense variant.
Genome position (GRCh38, 1-based): chr9:27,029,032, G>T. VCF-style: chr9-27029032-G-T. GRCh37 (hg19) VCF-style: chr9-27029030-G-T.
Other names: c.982G>T, p.Asp328Tyr (NM_001099222.3, NM_001099223.3, NM_001099224.3 and 1 more transcripts); short protein forms D328Y.
Identifiers: ClinVar variation 4727397 (VCV004727397.1).
Genomic context (GRCh38, chr9:27,029,032, plus strand): 5'-TTTATTGAATGTCTATATTTCCTTCATAAATTCATTAAAAATATTTTCAACAGGTTAACA[G>T]ATACAAAAGAAAAGATAAATCAGTTTATTGAAGAAATTAGACAACTTGACATGGATTTAG-3'
Protein context (NP_079379.2, residues 318-338): EIASMERQLT[Asp328Tyr]TKEKINQFIE

ClinVar aggregate classification (germline): Uncertain significance (1 of 4 stars; one submission).

Submission:

Labcorp Genetics (formerly Invitae), Labcorp
Classification: Uncertain significance. Last evaluated: 2025-09-17. Review status: criteria provided, single submitter. Criteria: Invitae Variant Classification Sherloc (09022015). Collection method: clinical testing. Allele origin: germline.
Comment: This sequence change replaces aspartic acid, which is acidic and polar, with tyrosine, which is neutral and polar, at codon 328 of the IFT74 protein (p.Asp328Tyr). This variant is not present in population databases (gnomAD no frequency). This variant has not been reported in the literature in individuals affected with IFT74-related conditions. An algorithm developed to predict the effect of missense changes on protein structure and function (PolyPhen-2) suggests that this variant is likely to be disruptive. In summary, the available evidence is currently insufficient to determine the role of this variant in disease. Therefore, it has been classified as a Variant of Uncertain Significance.